The following is an entry in ClinVar:

ClinVar aggregate classification (germline): Uncertain significance (1 of 4 stars; one submission).

Conditions:
Nemaline myopathy 6 (NEM6). Also called: Nemaline myopathy 6, autosomal dominant. Identifiers: Orphanet 171439, MedGen C1836472, MONDO:0012237, OMIM 609273.

Allele frequency attached by ClinVar (database versions not stated): gnomAD 0.00001; ExAC 0.00029.

Submission:

Labcorp Genetics (formerly Invitae), Labcorp
Classification: Uncertain significance for Nemaline myopathy 6. Last evaluated: 2024-01-08. Review status: criteria provided, single submitter. Criteria: Invitae Variant Classification Sherloc (09022015). Collection method: clinical testing. Allele origin: germline.
Comment: This sequence change replaces leucine, which is neutral and non-polar, with proline, which is neutral and non-polar, at codon 65 of the KBTBD13 protein (p.Leu65Pro). This variant is present in population databases (rs762135081, gnomAD 0.05%), and has an allele count higher than expected for a pathogenic variant. This variant has not been reported in the literature in individuals affected with KBTBD13-related conditions. Advanced modeling of protein sequence and biophysical properties (such as structural, functional, and spatial information, amino acid conservation, physicochemical variation, residue mobility, and thermodynamic stability) performed at Invitae indicates that this missense variant is expected to disrupt KBTBD13 protein function with a positive predictive value of 80%. In summary, the available evidence is currently insufficient to determine the role of this variant in disease. Therefore, it has been classified as a Variant of Uncertain Significance.

NM_001101362.3(KBTBD13):c.194T>C (p.Leu65Pro)

Gene: KBTBD13 (kelch repeat and BTB domain containing 13; plus strand). Cytogenetic location: 15q22.31.
Variant type: single nucleotide variant.
Coding change: c.194T>C on transcript NM_001101362.3 (MANE Select); coding-DNA position 194, T replaced by C.
Protein change: p.Leu65Pro; replaces leucine 65 with proline.
Molecular consequence: missense variant.
Genome position (GRCh38, 1-based): chr15:65,077,009, T>C. VCF-style: chr15-65077009-T-C. GRCh37 (hg19) VCF-style: chr15-65369347-T-C.
Other names: short protein forms L65P.
Identifiers: ClinVar variation 2975196 (VCV002975196.3), dbSNP rs762135081, ClinGen allele CA7613895.